The following is an entry in ClinVar:

NM_001271.4(CHD2):c.887T>A (p.Phe296Tyr)

Gene: CHD2 (chromodomain helicase DNA binding protein 2; plus strand). Cytogenetic location: 15q26.1.
Variant type: single nucleotide variant.
Coding change: c.887T>A on transcript NM_001271.4 (MANE Select); coding-DNA position 887, T replaced by A.
Protein change: p.Phe296Tyr; replaces phenylalanine 296 with tyrosine.
Molecular consequence: missense variant.
Genome position (GRCh38, 1-based): chr15:92,942,903, T>A. VCF-style: chr15-92942903-T-A. GRCh37 (hg19) VCF-style: chr15-93486133-T-A.
Other names: c.887T>A (NM_001271.3); c.887T>A, p.Phe296Tyr (NM_001042572.3); short protein forms F296Y.
Identifiers: ClinVar variation 1491356 (VCV001491356.10), dbSNP rs2141787468, ClinGen allele CA393901575.

ClinVar aggregate classification (germline): Uncertain significance. Review status: criteria provided, multiple submitters, no conflicts (2 of 4 stars). 2 submissions from 2 submitters: Uncertain significance (2). Last evaluated 2026-04-28.

Conditions:
Inborn genetic diseases. Identifiers: MedGen C0950123, MeSH D030342.
Developmental and epileptic encephalopathy 94 (DEE94). Also called: Epileptic encephalopathy, childhood-onset; CHD2-Related Neurodevelopmental Disorders. Identifiers: Orphanet 1942, Orphanet 2382, MedGen C3809278, MONDO:0014150, OMIM 615369.

Submissions (2):

Ambry Genetics
Classification: Uncertain significance for Inborn genetic diseases. Last evaluated: 2026-04-28. Review status: criteria provided, single submitter. Criteria: Ambry Variant Classification Scheme 2023. Collection method: clinical testing. Allele origin: germline.
Comment: The c.887T>A (p.F296Y) alteration is located in exon 9 (coding exon 8) of the CHD2 gene. This alteration results from a T to A substitution at nucleotide position 887, causing the phenylalanine (F) at amino acid position 296 to be replaced by a tyrosine (Y). This variant was not reported in population-based cohorts in the Genome Aggregation Database (gnomAD). This amino acid position is highly conserved in available vertebrate species. This alteration is predicted to be tolerated by in silico analysis. Based on insufficient or conflicting evidence, the clinical significance of this alteration remains unclear.

Labcorp Genetics (formerly Invitae), Labcorp
Classification: Uncertain significance for Developmental and epileptic encephalopathy 94. Last evaluated: 2022-07-06. Review status: criteria provided, single submitter. Criteria: Invitae Variant Classification Sherloc (09022015). Collection method: clinical testing. Allele origin: germline.
Comment: This variant is not present in population databases (gnomAD no frequency). This sequence change replaces phenylalanine, which is neutral and non-polar, with tyrosine, which is neutral and polar, at codon 296 of the CHD2 protein (p.Phe296Tyr). In summary, the available evidence is currently insufficient to determine the role of this variant in disease. Therefore, it has been classified as a Variant of Uncertain Significance. Advanced modeling of protein sequence and biophysical properties (such as structural, functional, and spatial information, amino acid conservation, physicochemical variation, residue mobility, and thermodynamic stability) performed at Invitae indicates that this missense variant is not expected to disrupt CHD2 protein function. ClinVar contains an entry for this variant (Variation ID: 1491356). This variant has not been reported in the literature in individuals affected with CHD2-related conditions.